The following is an entry in ClinVar:

ClinVar aggregate classification (germline): Likely benign (1 of 4 stars; one submission).

Submission:

CeGaT Center for Human Genetics Tuebingen
Classification: Likely benign. Last evaluated: 2022-04-01. Review status: criteria provided, single submitter. Criteria: CeGaT Center For Human Genetics Tuebingen Variant Classification Criteria Version 2. Collection method: clinical testing. Allele origin: germline. Affected: yes. Observed: 1 variant allele.
Comment: PRR36: BP4, BP7

NM_001190467.2(PRR36):c.2880A>G (p.Pro960=)

Genes: PRR36 (proline rich 36; minus strand), LOC112577457 (Sharpr-MPRA regulatory region 8899; plus strand). Cytogenetic location: 19p13.2.
Variant type: single nucleotide variant.
Coding change: c.2880A>G on transcript NM_001190467.2 (MANE Select); coding-DNA position 2880, A replaced by G.
Protein change: p.Pro960=; no amino-acid change (proline 960 retained).
Molecular consequence: synonymous variant.
Genome position (GRCh38, 1-based): chr19:7,870,364, T>C on the plus strand (A>G on the coding strand, the complement: PRR36 is on the minus strand). VCF-style: chr19-7870364-T-C. GRCh37 (hg19) VCF-style: chr19-7935250-T-C.
Identifiers: ClinVar variation 2649181 (VCV002649181.24), dbSNP rs898507139, ClinGen allele CA505410779.